The following is an entry in ClinVar:

ClinVar aggregate classification (germline): Uncertain significance (1 of 4 stars; one submission).

Conditions:
Hereditary cancer-predisposing syndrome. Also called: Hereditary Cancer Syndrome; Hereditary neoplastic syndrome; Neoplastic Syndromes, Hereditary; Tumor predisposition. Identifiers: Orphanet 140162, MedGen C0027672, MeSH D009386, MONDO:0015356.

Submission:

Ambry Genetics
Classification: Uncertain significance for Hereditary cancer-predisposing syndrome. Last evaluated: 2025-04-30. Review status: criteria provided, single submitter. Criteria: Ambry Variant Classification Scheme 2023. Collection method: clinical testing. Allele origin: germline.
Comment: The p.L1765I variant (also known as c.5293T>A), located in coding exon 15 of the APC gene, results from a T to A substitution at nucleotide position 5293. The leucine at codon 1765 is replaced by isoleucine, an amino acid with highly similar properties. This amino acid position is conserved. In addition, in silico predictors for this gene do not accurately predict pathogenicity. Based on the available evidence, the clinical significance of this variant remains unclear.

NM_000038.6(APC):c.5293T>A (p.Leu1765Ile)

Gene: APC (APC regulator of Wnt signaling pathway; plus strand). Cytogenetic location: 5q22.2.
Variant type: single nucleotide variant.
Coding change: c.5293T>A on transcript NM_000038.6 (MANE Select); coding-DNA position 5293, T replaced by A.
Protein change: p.Leu1765Ile; replaces leucine 1765 with isoleucine.
Molecular consequence: missense variant. On other transcripts: non-coding transcript variant (2).
Genome position (GRCh38, 1-based): chr5:112,840,887, T>A. VCF-style: chr5-112840887-T-A. GRCh37 (hg19) VCF-style: chr5-112176584-T-A.
Other names: c.5293T>A, p.Leu1765Ile (NM_001127510.3, NM_001354895.2, NM_001407450.1); c.5239T>A, p.Leu1747Ile (NM_001127511.3); c.5347T>A, p.Leu1783Ile (NM_001354896.2, NM_001407447.1, NM_001407448.1 and 1 more transcripts); c.5323T>A, p.Leu1775Ile (NM_001354897.2); c.5218T>A, p.Leu1740Ile (NM_001354898.2); c.5209T>A, p.Leu1737Ile (NM_001354899.2); c.5170T>A, p.Leu1724Ile (NM_001354900.2); c.5116T>A, p.Leu1706Ile (NM_001354901.2, NM_001407453.1); and 11 more; short protein forms L1682I, L1737I, L1793I, L1740I, L1765I, L1381I, L1639I, L1664I.
Identifiers: ClinVar variation 3929072 (VCV003929072.1).